The following is an entry in ClinVar:

ClinVar aggregate classification (germline): Uncertain significance (1 of 4 stars; one submission).

Submission:

Labcorp Genetics (formerly Invitae), Labcorp
Classification: Uncertain significance. Last evaluated: 2025-09-03. Review status: criteria provided, single submitter. Criteria: Invitae Variant Classification Sherloc (09022015). Collection method: clinical testing. Allele origin: germline.
Comment: This sequence change falls in intron 33 of the PHIP gene. It does not directly change the encoded amino acid sequence of the PHIP protein. This variant is not present in population databases (gnomAD no frequency). This variant has not been reported in the literature in individuals affected with PHIP-related conditions. Algorithms developed to predict the effect of sequence changes on RNA splicing suggest that this variant may disrupt the consensus splice site. In summary, the available evidence is currently insufficient to determine the role of this variant in disease. Therefore, it has been classified as a Variant of Uncertain Significance.

NM_017934.7(PHIP):c.3853-5C>G

Genes: IRAK1BP1 (interleukin 1 receptor associated kinase 1 binding protein 1; plus strand), PHIP (PHIP subunit of CUL4-Ring ligase complex; minus strand). Cytogenetic location: 6q14.1.
Variant type: single nucleotide variant.
Coding change: c.3853-5C>G on transcript NM_017934.7 (MANE Select); 5 bases into the intron before coding-DNA position 3853, C replaced by G.
Molecular consequence: intron variant.
Genome position (GRCh38, 1-based): chr6:78,955,287, G>C on the plus strand (C>G on the coding strand, the complement: PHIP is on the minus strand). VCF-style: chr6-78955287-G-C. GRCh37 (hg19) VCF-style: chr6-79665004-G-C.
Identifiers: ClinVar variation 4780117 (VCV004780117.1).